The following is an entry in ClinVar:

NM_006790.3(MYOT):c.116C>T (p.Ser39Phe)

Genes: PKD2L2-DT (PKD2L2 divergent transcript; minus strand), MYOT (myotilin; plus strand). Cytogenetic location: 5q31.2.
Variant type: single nucleotide variant.
Coding change: c.116C>T on transcript NM_006790.3 (MANE Select); coding-DNA position 116, C replaced by T.
Protein change: p.Ser39Phe; replaces serine 39 with phenylalanine.
Molecular consequence: missense variant. On other transcripts: intron variant (2).
Genome position (GRCh38, 1-based): chr5:137,870,767, C>T. VCF-style: chr5-137870767-C-T. GRCh37 (hg19) VCF-style: chr5-137206456-C-T.
Other names: c.-120-110C>T (NM_001300911.2); c.-197+242C>T (NM_001135940.2); short protein forms S39F.
Identifiers: ClinVar variation 5839 (VCV000005839.8), dbSNP rs121908461, ClinGen allele CA117796.

ClinVar aggregate classification (germline): Pathogenic/Likely pathogenic. Review status: criteria provided, multiple submitters, no conflicts (2 of 4 stars). 4 submissions from 4 submitters: Pathogenic (1); Likely pathogenic (2). 1 of the submissions does not count toward it. Last evaluated 2024-10-30.

Conditions:
Myofibrillar myopathy 3 (MFM3). Also called: Muscular dystrophy, proximal, type 1A; Autosomal dominant spheroid body myopathy. Identifiers: Orphanet 266, Orphanet 268129, MedGen C3714934, MONDO:0012215, OMIM 609200.

Submissions (4):

Labcorp Genetics (formerly Invitae), Labcorp
Classification: Pathogenic for Myofibrillar myopathy 3. Last evaluated: 2024-10-30. Review status: criteria provided, single submitter. Criteria: Invitae Variant Classification Sherloc (09022015). Collection method: clinical testing. Allele origin: germline.
Comment: This sequence change replaces serine, which is neutral and polar, with phenylalanine, which is neutral and non-polar, at codon 39 of the MYOT protein (p.Ser39Phe). This variant is not present in population databases (gnomAD no frequency). This missense change has been observed in individuals with MYOT-related conditions (PMID: 16380616, 22106715). It has also been observed to segregate with disease in related individuals. ClinVar contains an entry for this variant (Variation ID: 5839). An algorithm developed to predict the effect of missense changes on protein structure and function (PolyPhen-2) suggests that this variant is likely to be disruptive. For these reasons, this variant has been classified as Pathogenic.

Revvity Omics, Revvity
Classification: Likely pathogenic for Myofibrillar myopathy 3. Last evaluated: 2023-08-14. Review status: criteria provided, single submitter. Criteria: ACMG Guidelines, 2015. Collection method: clinical testing. Allele origin: germline.

Athena Diagnostics
Classification: Likely pathogenic. Last evaluated: 2017-05-05. Review status: criteria provided, single submitter. Criteria: Athena Diagnostics Criteria. Collection method: clinical testing. Allele origin: germline.

OMIM
Classification: Pathogenic for MYOPATHY, MYOFIBRILLAR, 3. Last evaluated: 2005-12-27. Review status: no assertion criteria provided. Collection method: literature only. Allele origin: germline. Not counted in ClinVar's aggregate classification.

Literature cited by the submitters: PubMed 16380616 (cited by 3 submitters); PubMed 22106715 (cited by Labcorp Genetics (formerly Invitae), Labcorp and Athena Diagnostics); PubMed 571956 (cited by OMIM).